The following is an entry in ClinVar:

NM_000051.4(ATM):c.3469T>G (p.Leu1157Val)

Gene: ATM (ATM serine/threonine kinase; plus strand). Cytogenetic location: 11q22.3.
Variant type: single nucleotide variant.
Coding change: c.3469T>G on transcript NM_000051.4 (MANE Select); coding-DNA position 3469, T replaced by G.
Protein change: p.Leu1157Val; replaces leucine 1157 with valine.
Molecular consequence: missense variant.
Genome position (GRCh38, 1-based): chr11:108,281,061, T>G. VCF-style: chr11-108281061-T-G. GRCh37 (hg19) VCF-style: chr11-108151788-T-G.
Other names: c.3469T>G, p.Leu1157Val (NM_001351834.2); short protein forms L1157V.
Identifiers: ClinVar variation 936457 (VCV000936457.8), dbSNP rs2082206791, ClinGen allele CA382519440.
Genomic context (GRCh38, chr11:108,281,061, plus strand): 5'-AGTGCTGAGAACCCTGAAACTTTGGATGAAATTTATAATAGAAAATCTGTTTTACTGACG[T>G]TGATAGCTGTGGTTTTATCCTGTAGCCCTATCTGCGAAAAACAGGCTTTGTTTGCCCTGT-3'
Protein context (NP_000042.3, residues 1147-1167): IYNRKSVLLT[Leu1157Val]IAVVLSCSPI

ClinVar aggregate classification (germline): Uncertain significance (1 of 4 stars; one submission).

Conditions:
Ataxia-telangiectasia syndrome (AT). Also called: Cerebello-oculocutaneous telangiectasia; Immunodeficiency with ataxia telangiectasia; LOUIS-BAR SYNDROME; AT, COMPLEMENTATION GROUP C; ATAXIA-TELANGIECTASIA, COMPLEMENTATION GROUP A; ATAXIA-TELANGIECTASIA, FRESNO VARIANT. Identifiers: Orphanet 100, MedGen C0004135, MONDO:0008840, OMIM 208900.

Submission:

Labcorp Genetics (formerly Invitae), Labcorp
Classification: Uncertain significance for Ataxia-telangiectasia syndrome. Last evaluated: 2019-11-09. Review status: criteria provided, single submitter. Criteria: Invitae Variant Classification Sherloc (09022015). Collection method: clinical testing. Allele origin: germline.
Comment: This variant is not present in population databases (ExAC no frequency). In summary, the available evidence is currently insufficient to determine the role of this variant in disease. Therefore, it has been classified as a Variant of Uncertain Significance. Algorithms developed to predict the effect of sequence changes on RNA splicing suggest that this variant may create or strengthen a splice site, but this prediction has not been confirmed by published transcriptional studies. Algorithms developed to predict the effect of missense changes on protein structure and function output the following: SIFT: "Tolerated"; PolyPhen-2: "Benign"; Align-GVGD: "Class C0". The valine amino acid residue is found in multiple mammalian species, suggesting that this missense change does not adversely affect protein function. These predictions have not been confirmed by published functional studies and their clinical significance is uncertain. This variant has not been reported in the literature in individuals with ATM-related conditions. This sequence change replaces leucine with valine at codon 1157 of the ATM protein (p.Leu1157Val). The leucine residue is weakly conserved and there is a small physicochemical difference between leucine and valine.